The following is an entry in ClinVar:

NM_020461.4(TUBGCP6):c.1080G>C (p.Leu360Phe)

Gene: TUBGCP6 (tubulin gamma complex component 6; minus strand). Cytogenetic location: 22q13.33.
Variant type: single nucleotide variant.
Coding change: c.1080G>C on transcript NM_020461.4 (MANE Select); coding-DNA position 1080, G replaced by C.
Protein change: p.Leu360Phe; replaces leucine 360 with phenylalanine.
Molecular consequence: missense variant.
Genome position (GRCh38, 1-based): chr22:50,233,352, C>G on the plus strand (G>C on the coding strand, the complement: TUBGCP6 is on the minus strand). VCF-style: chr22-50233352-C-G. GRCh37 (hg19) VCF-style: chr22-50671781-C-G.
Other names: c.1080G>C (NM_020461.3); short protein forms L360F.
Identifiers: ClinVar variation 1404742 (VCV001404742.7), dbSNP rs565592866, ClinGen allele CA10308838.

ClinVar aggregate classification (germline): Uncertain significance. Review status: criteria provided, multiple submitters, no conflicts (2 of 4 stars). 2 submissions from 2 submitters: Uncertain significance (2). Last evaluated 2025-03-17.

Conditions:
Inborn genetic diseases. Identifiers: MedGen C0950123, MeSH D030342.

Allele frequency attached by ClinVar (database versions not stated): gnomAD exomes below 0.00001; TOPMed below 0.00001; ExAC 0.00001; 1000 Genomes Project 0.00020; 1000 Genomes Project 30x 0.00031.

Submissions (2):

Ambry Genetics
Classification: Uncertain significance for Inborn genetic diseases. Last evaluated: 2025-03-17. Review status: criteria provided, single submitter. Criteria: Ambry Variant Classification Scheme 2023. Collection method: clinical testing. Allele origin: germline.

Labcorp Genetics (formerly Invitae), Labcorp
Classification: Uncertain significance. Last evaluated: 2024-10-16. Review status: criteria provided, single submitter. Criteria: Invitae Variant Classification Sherloc (09022015). Collection method: clinical testing. Allele origin: germline.
Comment: This sequence change replaces leucine, which is neutral and non-polar, with phenylalanine, which is neutral and non-polar, at codon 360 of the TUBGCP6 protein (p.Leu360Phe). This variant is present in population databases (rs565592866, gnomAD 0.003%). This variant has not been reported in the literature in individuals affected with TUBGCP6-related conditions. ClinVar contains an entry for this variant (Variation ID: 1404742). An algorithm developed to predict the effect of missense changes on protein structure and function (PolyPhen-2) suggests that this variant is likely to be disruptive. In summary, the available evidence is currently insufficient to determine the role of this variant in disease. Therefore, it has been classified as a Variant of Uncertain Significance.